The following is an entry in ClinVar:

NM_001267550.2(TTN):c.61008T>A (p.Tyr20336Ter)

Genes: TTN-AS1 (TTN antisense RNA 1; plus strand), TTN (titin; minus strand). Cytogenetic location: 2q31.2.
Variant type: single nucleotide variant.
Coding change: c.61008T>A on transcript NM_001267550.2 (MANE Select); coding-DNA position 61008, T replaced by A.
Protein change: p.Tyr20336Ter; replaces tyrosine 20336 with a stop codon.
Molecular consequence: nonsense.
Genome position (GRCh38, 1-based): chr2:178,590,717, A>T on the plus strand (T>A on the coding strand, the complement: TTN is on the minus strand). VCF-style: chr2-178590717-A-T. GRCh37 (hg19) VCF-style: chr2-179455444-A-T.
Other names: c.56085T>A, p.Tyr18695Ter (NM_001256850.1); c.33813T>A, p.Tyr11271Ter (NM_003319.4); c.53304T>A, p.Tyr17768Ter (NM_133378.4); c.34188T>A, p.Tyr11396Ter (NM_133432.3); c.34389T>A, p.Tyr11463Ter (NM_133437.4); short protein forms Y11271*, Y11396*, Y11463*, Y17768*, Y18695*, Y20336*.
Identifiers: ClinVar variation 3757763 (VCV003757763.2).

ClinVar aggregate classification (germline): Likely pathogenic (1 of 4 stars; one submission).

Conditions:
Dilated cardiomyopathy 1G (CMD1G). Identifiers: Orphanet 154, MedGen C1858763, MONDO:0011400, OMIM 604145.
Autosomal recessive limb-girdle muscular dystrophy type 2J (LGMDR10). Also called: Limb-girdle muscular dystrophy, type 2J; MUSCULAR DYSTROPHY, LIMB-GIRDLE, AUTOSOMAL RECESSIVE 10. Identifiers: Orphanet 140922, MedGen C1837342, MONDO:0012127, OMIM 608807.

Submission:

Labcorp Genetics (formerly Invitae), Labcorp
Classification: Likely pathogenic for Dilated cardiomyopathy 1G; Autosomal recessive limb-girdle muscular dystrophy type 2J. Last evaluated: 2024-08-31. Review status: criteria provided, single submitter. Criteria: Invitae Variant Classification Sherloc (09022015). Collection method: clinical testing. Allele origin: germline.
Comment: While this is not anticipated to result in nonsense mediated decay, it is expected to create a truncated TTN protein. While this is not anticipated to result in nonsense mediated decay, it is expected to disrupt the last 15656 amino acid(s) of the TTN protein. This variant is not present in population databases (gnomAD no frequency). This variant has not been reported in the literature in individuals affected with TTN-related conditions. This variant is located in the A band of TTN (PMID: 25589632). Truncating variants in this region are significantly overrepresented in patients affected with dilated cardiomyopathy (PMID: 25589632). Truncating variants in this region have also been reported in individuals affected with autosomal recessive centronuclear myopathy (PMID: 23975875). In summary, the currently available evidence indicates that the variant is pathogenic, but additional data are needed to prove that conclusively. Therefore, this variant has been classified as Likely Pathogenic.

Literature cited by the submitters: PubMed 25589632; PubMed 23975875.